The following is an entry in ClinVar:

NM_004984.4(KIF5A):c.425A>G (p.Lys142Arg)

Gene: KIF5A (kinesin family member 5A; plus strand). Cytogenetic location: 12q13.3.
Variant type: single nucleotide variant.
Coding change: c.425A>G on transcript NM_004984.4 (MANE Select); coding-DNA position 425, A replaced by G.
Protein change: p.Lys142Arg; replaces lysine 142 with arginine.
Molecular consequence: missense variant.
Genome position (GRCh38, 1-based): chr12:57,564,488, A>G. VCF-style: chr12-57564488-A-G. GRCh37 (hg19) VCF-style: chr12-57958271-A-G.
Other names: c.158A>G, p.Lys53Arg (NM_001354705.2); short protein forms K142R, K53R.
Identifiers: ClinVar variation 423807 (VCV000423807.5), dbSNP rs758987045, ClinGen allele CA6652585.
Genomic context (GRCh38, chr12:57,564,488, plus strand): 5'-TTACTTCACACTCCTTCTTTCTTCTTAACCAGGTTTCTTACTTTGAAATTTACCTGGACA[A>G]AATTCGTGACCTTCTGGATGGTGAGTGTTTTGTCCCAGTGGATGAGGGTGTGTGAGGAGG-3'
Protein context (NP_004975.2, residues 132-152): KVSYFEIYLD[Lys142Arg]IRDLLDVTKT

ClinVar aggregate classification (germline): Conflicting classifications of pathogenicity. Review status: criteria provided, conflicting classifications (1 of 4 stars). 2 submissions from 2 submitters: Uncertain significance (1); Likely benign (1). Last evaluated 2024-12-02.

Conditions:
Spastic paraplegia. Identifiers: MedGen C0037772, HP:0001258.

Allele frequency attached by ClinVar (database versions not stated): gnomAD exomes below 0.00001 and 0.00001; ExAC 0.00001; TOPMed 0.00002; gnomAD 0.00003.
gnomAD v4.1: 5 of 1,612,944 alleles (0.00031%); highest among the groups gnomAD compares: African/African-American, 0.0067%; no homozygotes.

Submissions (2):

Labcorp Genetics (formerly Invitae), Labcorp
Classification: Likely benign for Spastic paraplegia. Last evaluated: 2024-12-02. Review status: criteria provided, single submitter. Criteria: Invitae Variant Classification Sherloc (09022015). Collection method: clinical testing. Allele origin: germline.

GeneDx
Classification: Uncertain significance. Last evaluated: 2017-02-24. Review status: criteria provided, single submitter. Criteria: GeneDx Variant Classification (06012015). Collection method: clinical testing. Allele origin: germline. Affected: yes.
Comment: A variant of uncertain significance has been identified in the KIF5A gene. The K142R variant has not been published as a pathogenic variant, nor has it been reported as a benign variant to our knowledge. The K142R variant is not observed at a significant frequency in large population cohorts (Lek et al., 2016; 1000 Genomes Consortium et al., 2015; Exome Variant Server). This substitution occurs at a position that is conserved across species. In silico analysis predicts this variant is probably damaging to the protein structure/function. However, the K142R variant is a conservative amino acid substitution, which is not likely to impact secondary protein structure as these residues share similar properties. Therefore, based on the currently available information, it is unclear whether this variant is a pathogenic variant or a rare benign variant.